The following is an entry in ClinVar:

NM_000038.6(APC):c.1312+4dup

Gene: APC (APC regulator of Wnt signaling pathway; plus strand). Cytogenetic location: 5q22.2.
Variant type: Duplication.
Coding change: c.1312+4dup on transcript NM_000038.6 (MANE Select); 4 bases into the intron after coding-DNA position 1312, one base duplicated (T; older notation c.1312+4dupT).
Molecular consequence: intron variant.
Genome position (GRCh38, 1-based): chr5:112,819,348, T duplicated. VCF-style (leftmost placement, unchanged base first): chr5-112819347-A-AT. GRCh37 (hg19) VCF-style: chr5-112155044-A-AT.
Other names: c.934+4dup (NM_001354904.2); c.463+4dup (NM_001354906.2); c.1312+4dup (NM_001354896.2, NM_001354895.2, NM_001127510.3); c.1135+4dup (NM_001354900.2, NM_001354901.2); c.1009+4dup (NM_001354903.2); c.1228+4dup (NM_001354899.2); c.832+4dup (NM_001354905.2); c.1342+4dup (NM_001354897.2); and 3 more.
Identifiers: ClinVar variation 1052033 (VCV001052033.10), dbSNP rs2149784275, ClinGen allele CA2499217429.

ClinVar aggregate classification (germline): Uncertain significance (1 of 4 stars; one submission).

Conditions:
Familial adenomatous polyposis 1 (FAP1). Also called: POLYPOSIS, ADENOMATOUS INTESTINAL; FAMILIAL ADENOMATOUS POLYPOSIS 1, ATTENUATED. Identifiers: MedGen C2713442, MONDO:0021056, OMIM 175100. Disease mechanism: loss of function.

Submission:

Labcorp Genetics (formerly Invitae), Labcorp
Classification: Uncertain significance for Familial adenomatous polyposis 1. Last evaluated: 2020-08-16. Review status: criteria provided, single submitter. Criteria: Invitae Variant Classification Sherloc (09022015). Collection method: clinical testing. Allele origin: germline.
Comment: Nucleotide substitutions within the consensus splice site are a relatively common cause of aberrant splicing (PMID: 17576681, 9536098). Algorithms developed to predict the effect of sequence changes on RNA splicing suggest that this variant may disrupt the consensus splice site, but this prediction has not been confirmed by published transcriptional studies. This variant disrupts the c.1312+5G nucleotide in the APC gene. Other variant(s) that disrupt this nucleotide have been determined to be pathogenic (PMID: 15459959, 22987206, 20223039). This suggests that this nucleotide is clinically significant, and that variants that disrupt this position are likely to be disease-causing. In summary, the available evidence is currently insufficient to determine the role of this variant in disease. Therefore, it has been classified as a Variant of Uncertain Significance. This variant has not been reported in the literature in individuals with APC-related conditions. This sequence change falls in intron 10 of the APC gene. It does not directly change the encoded amino acid sequence of the APC protein, but it affects a nucleotide within the consensus splice site of the intron. This variant is not present in population databases (ExAC no frequency).

Literature cited by the submitters: PubMed 17576681; PubMed 9536098; PubMed 15459959; PubMed 22987206; PubMed 20223039.